The following is an entry in ClinVar:

NM_015378.4(VPS13D):c.11665C>T (p.Pro3889Ser)

Gene: VPS13D (vacuolar protein sorting 13 homolog D; plus strand). Cytogenetic location: 1p36.22.
Variant type: single nucleotide variant.
Coding change: c.11665C>T on transcript NM_015378.4 (MANE Select); coding-DNA position 11665, C replaced by T.
Protein change: p.Pro3889Ser; replaces proline 3889 with serine.
Molecular consequence: missense variant.
Genome position (GRCh38, 1-based): chr1:12,400,211, C>T. VCF-style: chr1-12400211-C-T. GRCh37 (hg19) VCF-style: chr1-12460268-C-T.
Other names: c.11590C>T, p.Pro3864Ser (NM_018156.4); short protein forms P3889S, P3864S.
Identifiers: ClinVar variation 1937179 (VCV001937179.3), dbSNP rs899599493, ClinGen allele CA18059562.

ClinVar aggregate classification (germline): Uncertain significance (1 of 4 stars; one submission).

Allele frequency attached by ClinVar (database versions not stated): gnomAD 0.00001; gnomAD exomes 0.00001; TOPMed 0.00002.
gnomAD v4.1: 10 of 1,613,990 alleles (0.00062%); highest among the groups gnomAD compares: South Asian, 0.0033%; 1 homozygote.

Submission:

Labcorp Genetics (formerly Invitae), Labcorp
Classification: Uncertain significance. Last evaluated: 2022-08-23. Review status: criteria provided, single submitter. Criteria: Invitae Variant Classification Sherloc (09022015). Collection method: clinical testing. Allele origin: germline.
Comment: In summary, the available evidence is currently insufficient to determine the role of this variant in disease. Therefore, it has been classified as a Variant of Uncertain Significance. Algorithms developed to predict the effect of missense changes on protein structure and function are either unavailable or do not agree on the potential impact of this missense change (SIFT: "Not Available"; PolyPhen-2: "Probably Damaging"; Align-GVGD: "Not Available"). This variant has not been reported in the literature in individuals affected with VPS13D-related conditions. This variant is present in population databases (no rsID available, gnomAD 0.0008%). This sequence change replaces proline, which is neutral and non-polar, with serine, which is neutral and polar, at codon 3889 of the VPS13D protein (p.Pro3889Ser).